The following is an entry in ClinVar:

ClinVar aggregate classification (germline): Benign/Likely benign. Review status: criteria provided, multiple submitters, no conflicts (2 of 4 stars). 4 submissions from 4 submitters: Benign (1); Likely benign (3). Last evaluated 2025-05-05.

Conditions:
Familial cancer of breast. Also called: Hereditary breast cancer; hereditary breast carcinoma; BREAST CANCER, FAMILIAL. Identifiers: Orphanet 227535, MedGen C0346153, MONDO:0016419, OMIM 114480. Disease mechanism: loss of function.
Hereditary cancer-predisposing syndrome. Also called: Hereditary Cancer Syndrome; Hereditary neoplastic syndrome; Neoplastic Syndromes, Hereditary; Tumor predisposition. Identifiers: Orphanet 140162, MedGen C0027672, MeSH D009386, MONDO:0015356.

Allele frequency attached by ClinVar (database versions not stated): gnomAD 0.00001; TOPMed 0.00002.
gnomAD v4.1: 2 of 1,582,220 alleles (0.00013%); highest among the groups gnomAD compares: African/African-American, 0.0027%; no homozygotes.

Submissions (4):

Labcorp Genetics (formerly Invitae), Labcorp
Classification: Likely benign for Familial cancer of breast. Last evaluated: 2025-05-05. Review status: criteria provided, single submitter. Criteria: Invitae Variant Classification Sherloc (09022015). Collection method: clinical testing. Allele origin: germline.

Myriad Genetics, Inc.
Classification: Benign for Familial cancer of breast. Last evaluated: 2024-10-08. Review status: criteria provided, single submitter. Criteria: Myriad Autosomal Dominant, Autosomal Recessive and X-Linked Classification Criteria (2023). Collection method: clinical testing. Allele origin: unknown.
Comment: This variant is considered benign. This variant is a silent/synonymous amino acid change and it is not expected to impact splicing.

Ambry Genetics
Classification: Likely benign for Hereditary cancer-predisposing syndrome. Last evaluated: 2021-09-07. Review status: criteria provided, single submitter. Criteria: Ambry Variant Classification Scheme 2023. Collection method: clinical testing. Allele origin: germline.

GeneDx
Classification: Likely benign. Last evaluated: 2016-08-01. Review status: criteria provided, single submitter. Criteria: GeneDx Variant Classification (06012015). Collection method: clinical testing. Allele origin: germline. Affected: yes.
Comment: This variant is considered likely benign or benign based on one or more of the following criteria: it is a conservative change, it occurs at a poorly conserved position in the protein, it is predicted to be benign by multiple in silico algorithms, and/or has population frequency not consistent with disease.

NM_007194.4(CHEK2):c.1476G>A (p.Lys492=)

Gene: CHEK2 (checkpoint kinase 2; minus strand). Cytogenetic location: 22q12.1.
Variant type: single nucleotide variant.
Coding change: c.1476G>A on transcript NM_007194.4 (MANE Select); coding-DNA position 1476, G replaced by A.
Protein change: p.Lys492=; no amino-acid change (lysine 492 retained).
Molecular consequence: synonymous variant.
Genome position (GRCh38, 1-based): chr22:28,689,201, C>T on the plus strand (G>A on the coding strand, the complement: CHEK2 is on the minus strand). VCF-style: chr22-28689201-C-T. GRCh37 (hg19) VCF-style: chr22-29085189-C-T.
Other names: c.1605G>A, p.Lys535= (NM_001005735.3); c.813G>A, p.Lys271= (NM_001257387.3); c.1275G>A, p.Lys425= (NM_001349956.3); c.1389G>A, p.Lys463= (NM_145862.3).
Identifiers: ClinVar variation 388240 (VCV000388240.15), dbSNP rs898342452, ClinGen allele CA16608628.